The following is an entry in ClinVar:

ClinVar aggregate classification (germline): Uncertain significance (1 of 4 stars; one submission).

Submission:

Labcorp Genetics (formerly Invitae), Labcorp
Classification: Uncertain significance. Last evaluated: 2022-02-28. Review status: criteria provided, single submitter. Criteria: Invitae Variant Classification Sherloc (09022015). Collection method: clinical testing. Allele origin: germline.
Comment: A copy number gain of the genomic region encompassing the full coding sequence of the PDP1 gene has been identified. The boundaries of this event are unknown as they extend beyond the assayed region for this gene and therefore may encompass additional genes. As the precise location of this event is unknown, it may be in tandem or it may be located elsewhere in the genome. This variant has not been reported in the literature in individuals affected with PDP1-related conditions. In summary, the available evidence is currently insufficient to determine the role of this variant in disease. Therefore, it has been classified as a Variant of Uncertain Significance.

NC_000008.10:g.(?_94798431)_(94935901_?)dup

Genes: PDP1 (pyruvate dehydrogenase phosphatase catalytic subunit 1; plus strand), TMEM67 (transmembrane protein 67; plus strand). Cytogenetic location: 8q22.1.
Variant type: Duplication.
Identifiers: ClinVar variation 2426473 (VCV002426473.3).